The following is an entry in ClinVar:

NM_015338.6(ASXL1):c.1460C>T (p.Ala487Val)

Gene: ASXL1 (ASXL transcriptional regulator 1; plus strand). Cytogenetic location: 20q11.21.
Variant type: single nucleotide variant.
Coding change: c.1460C>T on transcript NM_015338.6 (MANE Select); coding-DNA position 1460, C replaced by T.
Protein change: p.Ala487Val; replaces alanine 487 with valine.
Molecular consequence: missense variant.
Genome position (GRCh38, 1-based): chr20:32,433,658, C>T. VCF-style: chr20-32433658-C-T. GRCh37 (hg19) VCF-style: chr20-31021461-C-T.
Other names: c.1277C>T, p.Ala426Val (NM_001363734.1); short protein forms A487V, A426V.
Identifiers: ClinVar variation 3792254 (VCV003792254.1).
Genomic context (GRCh38, chr20:32,433,658, plus strand): 5'-CAGGCACATCCTCTGCAGCACCCGACCTGGAGGGTCCCGAATTCCCAGTTGAGTCTGTGG[C>T]TTCTCGGATCCAGGCTGAGCCAGACAACTTGGCACGTGCCTCTGCATCTCCAGACAGAAT-3'
Protein context (NP_056153.2, residues 477-497): EGPEFPVESV[Ala487Val]SRIQAEPDNL

ClinVar aggregate classification (germline): Uncertain significance (1 of 4 stars; one submission).

Conditions:
Inborn genetic diseases. Identifiers: MedGen C0950123, MeSH D030342.

Submission:

Ambry Genetics
Classification: Uncertain significance for Inborn genetic diseases. Last evaluated: 2025-01-13. Review status: criteria provided, single submitter. Criteria: Ambry Variant Classification Scheme 2023. Collection method: clinical testing. Allele origin: germline.
Comment: The p.A487V variant (also known as c.1460C>T), located in coding exon 12 of the ASXL1 gene, results from a C to T substitution at nucleotide position 1460. The alanine at codon 487 is replaced by valine, an amino acid with similar properties. This amino acid position is conserved. In addition, this alteration is predicted to be tolerated by in silico analysis. Based on the available evidence, the clinical significance of this variant remains unclear.